The following is an entry in ClinVar:

ClinVar aggregate classification (germline): Uncertain significance (1 of 4 stars; one submission).

Conditions:
Developmental and epileptic encephalopathy, 30 (DEE30). Also called: Epileptic encephalopathy, early infantile, 30. Identifiers: MedGen C4225360, MONDO:0014595, OMIM 616341.

Submission:

Labcorp Genetics (formerly Invitae), Labcorp
Classification: Uncertain significance for Developmental and epileptic encephalopathy, 30. Last evaluated: 2022-12-13. Review status: criteria provided, single submitter. Criteria: Invitae Variant Classification Sherloc (09022015). Collection method: clinical testing. Allele origin: germline.
Comment: In summary, the available evidence is currently insufficient to determine the role of this variant in disease. Therefore, it has been classified as a Variant of Uncertain Significance. Advanced modeling of protein sequence and biophysical properties (such as structural, functional, and spatial information, amino acid conservation, physicochemical variation, residue mobility, and thermodynamic stability) performed at Invitae indicates that this missense variant is expected to disrupt SIK1 protein function. This variant has not been reported in the literature in individuals affected with SIK1-related conditions. This variant is not present in population databases (gnomAD no frequency). This sequence change replaces valine, which is neutral and non-polar, with alanine, which is neutral and non-polar, at codon 216 of the SIK1 protein (p.Val216Ala).

NM_173354.5(SIK1):c.647T>C (p.Val216Ala)

Gene: SIK1 (salt inducible kinase 1; minus strand). Cytogenetic location: 21q22.3.
Variant type: single nucleotide variant.
Coding change: c.647T>C on transcript NM_173354.5 (MANE Select); coding-DNA position 647, T replaced by C.
Protein change: p.Val216Ala; replaces valine 216 with alanine.
Molecular consequence: missense variant.
Genome position (GRCh38, 1-based): chr21:43,421,111, A>G on the plus strand (T>C on the coding strand, the complement: SIK1 is on the minus strand). VCF-style: chr21-43421111-A-G. GRCh37 (hg19) VCF-style: chr21-44840991-A-G.
Other names: short protein forms V216A.
Identifiers: ClinVar variation 2814122 (VCV002814122.3), dbSNP rs2516967310, ClinGen allele CA410609707.
Genomic context (GRCh38, chr21:43,421,111, plus strand): 5'-ACCCGCTGTCTCAGCGTCGGCAGGTTAGGCCCATCGAAGGGGAGAGAACCGCAGACCAGG[A>G]CGTACAGCACCACGCCCAGGCTCTGTTGAGGACCACAGAGCCACATCAGCGCCAGGGCGG-3'
Protein context (NP_775490.2, residues 206-226): DIWSLGVVLY[Val216Ala]LVCGSLPFDG